The following is an entry in ClinVar:

NM_003031.4(SIAH1):c.46T>G (p.Cys16Gly)

Genes: LONP2 (lon peptidase 2, peroxisomal; plus strand), SIAH1 (siah E3 ubiquitin protein ligase 1; minus strand). Cytogenetic location: 16q12.1.
Variant type: single nucleotide variant.
Coding change: c.46T>G on transcript NM_003031.4 (MANE Select); coding-DNA position 46, T replaced by G.
Protein change: p.Cys16Gly; replaces cysteine 16 with glycine.
Molecular consequence: missense variant. On other transcripts: 3 prime UTR variant (1).
Genome position (GRCh38, 1-based): chr16:48,362,383, A>C on the plus strand (T>G on the coding strand, the complement: SIAH1 is on the minus strand). VCF-style: chr16-48362383-A-C. GRCh37 (hg19) VCF-style: chr16-48396294-A-C.
Other names: c.139T>G, p.Cys47Gly (NM_001006610.2); c.*787A>C (NM_001348078.2); short protein forms C16G, C47G.
Identifiers: ClinVar variation 3730987 (VCV003730987.1).

ClinVar aggregate classification (germline): Uncertain significance (1 of 4 stars; one submission).

Submission:

GeneDx
Classification: Uncertain significance. Last evaluated: 2024-08-11. Review status: criteria provided, single submitter. Criteria: GeneDx Variant Classification Process June 2021. Collection method: clinical testing. Allele origin: germline. Affected: yes.
Comment: Not observed at significant frequency in large population cohorts (gnomAD); In silico analysis indicates that this missense variant does not alter protein structure/function; Has not been previously published as pathogenic or benign to our knowledge